The following is an entry in ClinVar:

NM_001205293.3(CACNA1E):c.5803T>C (p.Tyr1935His)

Gene: CACNA1E (calcium voltage-gated channel subunit alpha1 E; plus strand). Cytogenetic location: 1q25.3.
Variant type: single nucleotide variant.
Coding change: c.5803T>C on transcript NM_001205293.3 (MANE Select); coding-DNA position 5803, T replaced by C.
Protein change: p.Tyr1935His; replaces tyrosine 1935 with histidine.
Molecular consequence: missense variant.
Genome position (GRCh38, 1-based): chr1:181,790,461, T>C. VCF-style: chr1-181790461-T-C. GRCh37 (hg19) VCF-style: chr1-181759597-T-C.
Other names: c.5803T>C, p.Tyr1935His (NM_000721.4); c.5746T>C, p.Tyr1916His (NM_001205294.2); short protein forms Y1916H, Y1935H.
Identifiers: ClinVar variation 1958186 (VCV001958186.5), dbSNP rs769676200, ClinGen allele CA1276207.
Genomic context (GRCh38, chr1:181,790,461, plus strand): 5'-CATGACTGTCCCTCATTACCTCTGGATTTGACATTGCTTTTCAGGAGTGGCCGGAGTGGA[T>C]ACCCTTCGATGAGTCCACTCTCTCCCCAGGATATATTCCAGTTGGCTTGTATGGACCCCG-3'
Protein context (NP_001192222.1, residues 1925-1945): PVSGLSGRSG[Tyr1935His]PSMSPLSPQD

ClinVar aggregate classification (germline): Uncertain significance (1 of 4 stars; one submission).

Allele frequency attached by ClinVar (database versions not stated): gnomAD exomes below 0.00001; ExAC 0.00001.
gnomAD v4.1: 3 of 1,611,238 alleles (0.00019%); highest among the groups gnomAD compares: Admixed American, 0.0017%; no homozygotes.

Submission:

Labcorp Genetics (formerly Invitae), Labcorp
Classification: Uncertain significance. Last evaluated: 2022-04-12. Review status: criteria provided, single submitter. Criteria: Invitae Variant Classification Sherloc (09022015). Collection method: clinical testing. Allele origin: germline.
Comment: This sequence change replaces tyrosine, which is neutral and polar, with histidine, which is basic and polar, at codon 1935 of the CACNA1E protein (p.Tyr1935His). This variant is present in population databases (rs769676200, gnomAD 0.0009%). This variant has not been reported in the literature in individuals affected with CACNA1E-related conditions. Advanced modeling of protein sequence and biophysical properties (such as structural, functional, and spatial information, amino acid conservation, physicochemical variation, residue mobility, and thermodynamic stability) performed at Invitae indicates that this missense variant is not expected to disrupt CACNA1E protein function. In summary, the available evidence is currently insufficient to determine the role of this variant in disease. Therefore, it has been classified as a Variant of Uncertain Significance.